The following is an entry in ClinVar:

NM_006080.3(SEMA3A):c.845A>G (p.Lys282Arg)

Gene: SEMA3A (semaphorin 3A; minus strand). Cytogenetic location: 7q21.11.
Variant type: single nucleotide variant.
Coding change: c.845A>G on transcript NM_006080.3 (MANE Select); coding-DNA position 845, A replaced by G.
Protein change: p.Lys282Arg; replaces lysine 282 with arginine.
Molecular consequence: missense variant.
Genome position (GRCh38, 1-based): chr7:84,011,263, T>C on the plus strand (A>G on the coding strand, the complement: SEMA3A is on the minus strand). VCF-style: chr7-84011263-T-C. GRCh37 (hg19) VCF-style: chr7-83640579-T-C.
Other names: short protein forms K282R.
Identifiers: ClinVar variation 3354262 (VCV003354262.1).

ClinVar aggregate classification (germline): Uncertain significance (0 of 4 stars; one submission).

Conditions:
SEMA3A-related disorder. Also called: SEMA3A-related condition.

gnomAD v4.1: 5 of 1,613,980 alleles (0.00031%); highest among the groups gnomAD compares: Non-Finnish European, 0.00042%; no homozygotes.

Submission:

PreventionGenetics, part of Exact Sciences
Classification: Uncertain significance for SEMA3A-related condition. Last evaluated: 2024-07-03. Review status: no assertion criteria provided. Collection method: clinical testing. Allele origin: germline.
Comment: The SEMA3A c.845A>G variant is predicted to result in the amino acid substitution p.Lys282Arg. To our knowledge, this variant has not been reported in the literature. This variant is reported in 0.0018% of alleles in individuals of European (Non-Finnish) descent in gnomAD. At this time, the clinical significance of this variant is uncertain due to the absence of conclusive functional and genetic evidence.